The following is an entry in ClinVar:

ClinVar aggregate classification (germline): Uncertain significance (1 of 4 stars; one submission).

Allele frequency attached by ClinVar (database versions not stated): TOPMed below 0.00001.

Submission:

GeneDx
Classification: Uncertain significance. Last evaluated: 2022-11-30. Review status: criteria provided, single submitter. Criteria: GeneDx Variant Classification Process June 2021. Collection method: clinical testing. Allele origin: germline. Affected: yes.
Comment: Not observed at significant frequency in large population cohorts (gnomAD); In silico analysis supports that this missense variant does not alter protein structure/function; Has not been previously published as pathogenic or benign to our knowledge

NM_002474.3(MYH11):c.1313C>A (p.Thr438Asn)

Gene: MYH11 (myosin heavy chain 11; minus strand). Cytogenetic location: 16p13.11.
Variant type: single nucleotide variant.
Coding change: c.1313C>A on transcript NM_002474.3 (MANE Select); coding-DNA position 1313, C replaced by A.
Protein change: p.Thr438Asn; replaces threonine 438 with asparagine.
Molecular consequence: missense variant.
Genome position (GRCh38, 1-based): chr16:15,759,664, G>T on the plus strand (C>A on the coding strand, the complement: MYH11 is on the minus strand). VCF-style: chr16-15759664-G-T. GRCh37 (hg19) VCF-style: chr16-15853521-G-T.
Other names: c.1334C>A, p.Thr445Asn (NM_001040113.2, NM_001040114.2); c.1313C>A, p.Thr438Asn (NM_022844.3); short protein forms T438N, T445N.
Identifiers: ClinVar variation 2504517 (VCV002504517.1), dbSNP rs1023259838, ClinGen allele CA394872516.